The following is an entry in ClinVar:

NM_003590.5(CUL3):c.909dup (p.Ser304Ter)

Gene: CUL3 (cullin 3; minus strand). Cytogenetic location: 2q36.2.
Variant type: Duplication.
Coding change: c.909dup on transcript NM_003590.5 (MANE Select); coding-DNA position 909, one base duplicated (T; older notation c.909dupT).
Protein change: p.Ser304Ter; replaces serine 304 with a stop codon.
Molecular consequence: nonsense.
Genome position (GRCh38, 1-based): chr2:224,506,978, A duplicated on the plus strand (T on the coding strand, the reverse complement: CUL3 is on the minus strand); the first of 3 consecutive A bases (chr2:224,506,978-224,506,980); duplicating any one gives the same sequence. VCF-style (leftmost placement, unchanged base first): chr2-224506977-T-TA. GRCh37 (hg19) VCF-style: chr2-225371694-T-TA.
Other names: c.711dup, p.Ser238Ter (NM_001257197.2); c.927dup, p.Ser310Ter (NM_001257198.2); short protein forms S238*, S304*, S310*.
Identifiers: ClinVar variation 1709270 (VCV001709270.2), dbSNP rs2469984770, ClinGen allele CA2580065947.

ClinVar aggregate classification (germline): Likely pathogenic (1 of 4 stars; one submission).

Conditions:
Neurodevelopmental disorder with or without autism or seizures (NEDAUS). Identifiers: MedGen C5543225, MONDO:0030994, OMIM 619239.

Submission:

MGZ Medical Genetics Center
Classification: Likely pathogenic for Neurodevelopmental disorder with or without autism or seizures. Last evaluated: 2022-03-15. Review status: criteria provided, single submitter. Criteria: ACMG Guidelines, 2015. Collection method: clinical testing. Allele origin: germline. Affected: yes. Observed: 1 variant allele.
Comment: ACMG criteria applied: PVS1, PM2_SUP